The following is an entry in ClinVar:

ClinVar aggregate classification (germline): Likely benign. Review status: criteria provided, multiple submitters, no conflicts (2 of 4 stars). 2 submissions from 2 submitters: Likely benign (2). Last evaluated 2023-11-02.

Conditions:
Familial thoracic aortic aneurysm and aortic dissection (TAAD). Also called: Thoracic aortic aneurysms and dissections. Identifiers: Orphanet 91387, MedGen C4707243, MONDO:0019625.

Allele frequency attached by ClinVar (database versions not stated): gnomAD exomes below 0.00001; TOPMed below 0.00001; ExAC 0.00001; gnomAD 0.00001.
gnomAD v4.1: 4 of 1,613,984 alleles (0.00025%); highest among the groups gnomAD compares: East Asian, 0.0022%; no homozygotes.

Submissions (2):

All of Us Research Program, National Institutes of Health
Classification: Likely benign for Familial thoracic aortic aneurysm and aortic dissection. Last evaluated: 2023-11-02. Review status: criteria provided, single submitter. Criteria: ACMG Guidelines, 2015. Collection method: clinical testing. Allele origin: germline. Inheritance: Autosomal dominant inheritance. Observed: 1 variant allele, 1 heterozygote.
Comment: This study involves interpretation of variants in research participants for the purpose of population health screening. Participant phenotype was not available at the time of variant classification. Additional details can be found in publication PMID: 35346344, PMCID: PMC8962531

Ambry Genetics
Classification: Likely benign for Familial thoracic aortic aneurysm and aortic dissection. Last evaluated: 2022-05-02. Review status: criteria provided, single submitter. Criteria: Ambry Variant Classification Scheme 2023. Collection method: clinical testing. Allele origin: germline.

NM_002474.3(MYH11):c.609G>A (p.Lys203=)

Gene: MYH11 (myosin heavy chain 11; minus strand). Cytogenetic location: 16p13.11.
Variant type: single nucleotide variant.
Coding change: c.609G>A on transcript NM_002474.3 (MANE Select); coding-DNA position 609, G replaced by A.
Protein change: p.Lys203=; no amino-acid change (lysine 203 retained).
Molecular consequence: synonymous variant.
Genome position (GRCh38, 1-based): chr16:15,786,654, C>T on the plus strand (G>A on the coding strand, the complement: MYH11 is on the minus strand). VCF-style: chr16-15786654-C-T. GRCh37 (hg19) VCF-style: chr16-15880511-C-T.
Other names: c.609G>A, p.Lys203= (NM_001040113.2, NM_001040114.2, NM_022844.3).
Identifiers: ClinVar variation 1751568 (VCV001751568.3), dbSNP rs770104442, ClinGen allele CA7922926.